The following is an entry in ClinVar:

ClinVar aggregate classification (germline): Uncertain significance (1 of 4 stars; one submission).

Conditions:
Familial adenomatous polyposis 1 (FAP1). Also called: FAMILIAL ADENOMATOUS POLYPOSIS 1, ATTENUATED; POLYPOSIS, ADENOMATOUS INTESTINAL. Identifiers: MedGen C2713442, MONDO:0021056, OMIM 175100. Disease mechanism: loss of function.

Allele frequency attached by ClinVar (database versions not stated): gnomAD exomes below 0.00001; ExAC 0.00001.
gnomAD v4.1: 2 of 1,614,142 alleles (0.00012%); highest among the groups gnomAD compares: Non-Finnish European, 0.000085%; no homozygotes.

Submission:

Labcorp Genetics (formerly Invitae), Labcorp
Classification: Uncertain significance for Familial adenomatous polyposis 1. Last evaluated: 2021-10-11. Review status: criteria provided, single submitter. Criteria: Invitae Variant Classification Sherloc (09022015). Collection method: clinical testing. Allele origin: germline.
Comment: In summary, the available evidence is currently insufficient to determine the role of this variant in disease. Therefore, it has been classified as a Variant of Uncertain Significance. Algorithms developed to predict the effect of missense changes on protein structure and function are either unavailable or do not agree on the potential impact of this missense change (SIFT: "Tolerated"; PolyPhen-2: "Probably Damaging"; Align-GVGD: "Class C0"). This variant has not been reported in the literature in individuals affected with APC-related conditions. This variant is present in population databases (rs772795566, ExAC 0.02%). This sequence change replaces asparagine with aspartic acid at codon 627 of the APC protein (p.Asn627Asp). The asparagine residue is highly conserved and there is a small physicochemical difference between asparagine and aspartic acid.

NM_000038.6(APC):c.1879A>G (p.Asn627Asp)

Gene: APC (APC regulator of Wnt signaling pathway; plus strand). Cytogenetic location: 5q22.2.
Variant type: single nucleotide variant.
Coding change: c.1879A>G on transcript NM_000038.6 (MANE Select); coding-DNA position 1879, A replaced by G.
Protein change: p.Asn627Asp; replaces asparagine 627 with aspartic acid.
Molecular consequence: missense variant.
Genome position (GRCh38, 1-based): chr5:112,835,086, A>G. VCF-style: chr5-112835086-A-G. GRCh37 (hg19) VCF-style: chr5-112170783-A-G.
Other names: c.1879A>G, p.Asn627Asp (NM_001127510.3, NM_001354895.2); c.1825A>G, p.Asn609Asp (NM_001127511.3); c.1933A>G, p.Asn645Asp (NM_001354896.2); c.1909A>G, p.Asn637Asp (NM_001354897.2); c.1804A>G, p.Asn602Asp (NM_001354898.2); c.1795A>G, p.Asn599Asp (NM_001354899.2); c.1756A>G, p.Asn586Asp (NM_001354900.2); c.1702A>G, p.Asn568Asp (NM_001354901.2); and 5 more; short protein forms N344D, N536D, N586D, N627D, N467D, N568D, N602D, N609D.
Identifiers: ClinVar variation 1443713 (VCV001443713.6), dbSNP rs772795566, ClinGen allele CA029805.